The following is an entry in ClinVar:

NM_001303052.2(MYT1L):c.647C>A (p.Ala216Asp)

Gene: MYT1L (myelin transcription factor 1 like; minus strand). Cytogenetic location: 2p25.3.
Variant type: single nucleotide variant.
Coding change: c.647C>A on transcript NM_001303052.2 (MANE Select); coding-DNA position 647, C replaced by A.
Protein change: p.Ala216Asp; replaces alanine 216 with aspartic acid.
Molecular consequence: missense variant.
Genome position (GRCh38, 1-based): chr2:1,923,122, G>T on the plus strand (C>A on the coding strand, the complement: MYT1L is on the minus strand). VCF-style: chr2-1923122-G-T. GRCh37 (hg19) VCF-style: chr2-1926894-G-T.
Other names: c.647C>A, p.Ala216Asp (NM_001329844.2, NM_001329845.1, NM_001329846.3 and 6 more transcripts); c.647C>A (NM_015025.2); short protein forms A216D.
Identifiers: ClinVar variation 3233980 (VCV003233980.3), dbSNP rs1444025504, ClinGen allele CA345707272.
Genomic context (GRCh38, chr2:1,923,122, plus strand): 5'-TCGTCTTCCAGACTATTGGAGGTATTGCTGTTCATTTCTGACTCAGTCCTGGCCCGGTAG[G>T]CTGCATCCTCAGCGATTTTGCCGAGGTTTAACAATGACTTGGCCACCAGTTCATCGTAAT-3'
Protein context (NP_001289981.1, residues 206-226): LNLGKIAEDA[Ala216Asp]YRARTESEMN

ClinVar aggregate classification (germline): Uncertain significance. Review status: criteria provided, multiple submitters, no conflicts (2 of 4 stars). 2 submissions from 2 submitters: Uncertain significance (2). Last evaluated 2025-09-10.

Conditions:
Inborn genetic diseases. Identifiers: MedGen C0950123, MeSH D030342.

Allele frequency attached by ClinVar (database versions not stated): TOPMed below 0.00001; gnomAD exomes 0.00001.
gnomAD v4.1: 3 of 1,613,996 alleles (0.00019%); highest among the groups gnomAD compares: Admixed American, 0.005%; no homozygotes.

Submissions (2):

Ambry Genetics
Classification: Uncertain significance for Inborn genetic diseases. Last evaluated: 2025-09-10. Review status: criteria provided, single submitter. Criteria: Ambry Variant Classification Scheme 2023. Collection method: clinical testing. Allele origin: germline.

Women's Health and Genetics/Laboratory Corporation of America, LabCorp
Classification: Uncertain significance. Last evaluated: 2024-03-29. Review status: criteria provided, single submitter. Criteria: LabCorp Variant Classification Summary - May 2015. Collection method: clinical testing. Allele origin: germline.
Comment: Variant summary: MYT1L c.647C>A (p.Ala216Asp) results in a non-conservative amino acid change in the encoded protein sequence. Three of five in-silico tools predict a damaging effect of the variant on protein function. The variant allele was found at a frequency of 1.6e-05 in 249280 control chromosomes. The available data on variant occurrences in the general population are insufficient to allow any conclusion about variant significance. To our knowledge, no occurrence of c.647C>A in individuals affected with Mental Retardation, Autosomal Dominant 39 and no experimental evidence demonstrating its impact on protein function have been reported. No submitters have cited clinical-significance assessments for this variant to ClinVar. Based on the evidence outlined above, the variant was classified as uncertain significance.